The following is an entry in ClinVar:

ClinVar aggregate classification (germline): Pathogenic (1 of 4 stars; one submission).

Submission:

GeneDx
Classification: Pathogenic. Last evaluated: 2026-03-25. Review status: criteria provided, single submitter. Criteria: GeneDx Variant Classification Process June 2021. Collection method: clinical testing. Allele origin: germline.
Comment: Canonical splice site variant predicted to result in a null allele in a gene for which loss of function is a known mechanism of disease; Not observed at significant frequency in large population cohorts (gnomAD); Has not been previously published as pathogenic or benign to our knowledge

NM_001395159.1(UNC79):c.3821-1G>A

Gene: UNC79 (unc-79 subunit of NALCN channel complex; plus strand). Cytogenetic location: 14q32.12.
Variant type: single nucleotide variant.
Coding change: c.3821-1G>A on transcript NM_001395159.1 (MANE Select); the canonical splice acceptor site of the intron before coding-DNA position 3821, G replaced by A.
Molecular consequence: splice acceptor variant.
Genome position (GRCh38, 1-based): chr14:93,612,796, G>A. VCF-style: chr14-93612796-G-A. GRCh37 (hg19) VCF-style: chr14-94079142-G-A.
Other names: c.3755-1G>A (NM_001346218.2); c.3224-1G>A (NM_020818.5).
Identifiers: ClinVar variation 5016884 (VCV005016884.1).